The following is an entry in ClinVar:

ClinVar aggregate classification (germline): Likely benign. Review status: criteria provided, multiple submitters, no conflicts (2 of 4 stars). 3 submissions from 3 submitters: Likely benign (3). Last evaluated 2025-09-14.

Conditions:
Aortic aneurysm, familial thoracic 4 (AAT4). Also called: AORTIC ANEURYSM/AORTIC DISSECTION AND PATENT DUCTUS ARTERIOSUS. Identifiers: MedGen C1851504, MONDO:0007568, OMIM 132900.
Familial thoracic aortic aneurysm and aortic dissection (TAAD). Also called: Thoracic aortic aneurysms and dissections. Identifiers: Orphanet 91387, MedGen C4707243, MONDO:0019625.

Allele frequency attached by ClinVar (database versions not stated): gnomAD exomes below 0.00001; ExAC 0.00001; TOPMed 0.00002; gnomAD 0.00003.
gnomAD v4.1: 5 of 1,613,638 alleles (0.00031%); highest among the groups gnomAD compares: African/African-American, 0.0053%; no homozygotes.

Submissions (3):

Women's Health and Genetics/Laboratory Corporation of America, LabCorp
Classification: Likely benign. Last evaluated: 2025-09-14. Review status: criteria provided, single submitter. Criteria: LabCorp Variant Classification Summary - May 2015. Collection method: clinical testing. Allele origin: germline.

All of Us Research Program, National Institutes of Health
Classification: Likely benign for Familial thoracic aortic aneurysm and aortic dissection. Last evaluated: 2023-12-13. Review status: criteria provided, single submitter. Criteria: ACMG Guidelines, 2015. Collection method: clinical testing. Allele origin: germline. Inheritance: Autosomal dominant inheritance. Observed: 2 variant alleles, 2 heterozygotes.
Comment: This study involves interpretation of variants in research participants for the purpose of population health screening. Participant phenotype was not available at the time of variant classification. Additional details can be found in publication PMID: 35346344, PMCID: PMC8962531

Labcorp Genetics (formerly Invitae), Labcorp
Classification: Likely benign for Aortic aneurysm, familial thoracic 4. Last evaluated: 2020-08-27. Review status: criteria provided, single submitter. Criteria: Invitae Variant Classification Sherloc (09022015). Collection method: clinical testing. Allele origin: germline.

NM_002474.3(MYH11):c.4117-4G>A

Genes: NDE1 (nudE neurodevelopment protein 1; plus strand), MYH11 (myosin heavy chain 11; minus strand). Cytogenetic location: 16p13.11.
Variant type: single nucleotide variant.
Coding change: c.4117-4G>A on transcript NM_002474.3 (MANE Select); 4 bases into the intron before coding-DNA position 4117, G replaced by A.
Molecular consequence: intron variant. On other transcripts: 3 prime UTR variant (2).
Genome position (GRCh38, 1-based): chr16:15,724,413, C>T on the plus strand (G>A on the coding strand, the complement: MYH11 is on the minus strand). VCF-style: chr16-15724413-C-T. GRCh37 (hg19) VCF-style: chr16-15818270-C-T.
Other names: c.*162C>T (NM_001143979.2, NM_017668.3); c.4117-4G>A (NM_022844.3); c.4138-4G>A (NM_001040114.2, NM_001040113.2).
Identifiers: ClinVar variation 1131878 (VCV001131878.11), dbSNP rs754942889, ClinGen allele CA7921756.